The following is an entry in ClinVar:

ClinVar aggregate classification (germline): Uncertain significance (1 of 4 stars; one submission).

Conditions:
Hereditary cancer-predisposing syndrome. Also called: Hereditary Cancer Syndrome; Neoplastic Syndromes, Hereditary; Tumor predisposition; Hereditary neoplastic syndrome. Identifiers: Orphanet 140162, MedGen C0027672, MeSH D009386, MONDO:0015356.

Submission:

Ambry Genetics
Classification: Uncertain significance for Hereditary cancer-predisposing syndrome. Last evaluated: 2025-11-18. Review status: criteria provided, single submitter. Criteria: Ambry Variant Classification Scheme 2023. Collection method: clinical testing. Allele origin: germline.
Comment: The c.1187-5C>T intronic variant results from a C to T substitution 5 nucleotides upstream from coding exon 13 in the MUTYH gene. This nucleotide position is not well conserved in available vertebrate species. In silico splice site analysis predicts that this alteration will not have any significant effect on splicing. Based on the available evidence, the clinical significance of this variant remains unclear.

NM_001048174.2(MUTYH):c.1103-5C>T

Gene: MUTYH (mutY DNA glycosylase; minus strand). Cytogenetic location: 1p34.1.
Variant type: single nucleotide variant.
Coding change: c.1103-5C>T on transcript NM_001048174.2 (MANE Select); 5 bases into the intron before coding-DNA position 1103, C replaced by T.
Molecular consequence: intron variant.
Genome position (GRCh38, 1-based): chr1:45,331,561, G>A on the plus strand (C>T on the coding strand, the complement: MUTYH is on the minus strand). VCF-style: chr1-45331561-G-A. GRCh37 (hg19) VCF-style: chr1-45797233-G-A.
Other names: c.758-5C>T (NM_001350651.2, NM_001350650.2); c.827-5C>T (NM_001293192.2, NM_001293196.2); c.1103-5C>T (NM_001048171.2, NM_001048173.2, NM_001293195.2); c.1148-5C>T (NM_001293190.2); c.1178-5C>T (NM_012222.3); c.1187-5C>T (NM_001128425.2); c.1106-5C>T (NM_001048172.2); c.1136-5C>T (NM_001293191.2).
Identifiers: ClinVar variation 480001 (VCV000480001.6), dbSNP rs786202228, ClinGen allele CA658656920.